The following is an entry in ClinVar:

ClinVar aggregate classification (germline): Pathogenic (1 of 4 stars; one submission).

Conditions:
Ehlers-Danlos syndrome, musculocontractural type (EDSMC). Also called: ARTHROGRYPOSIS, DISTAL, WITH PECULIAR FACIES AND HYDRONEPHROSIS; Adducted thumb, clubfoot, progressive joint and skin laxity syndrome; ADDUCTED THUMB-CLUBFOOT SYNDROME; DUNDAR SYNDROME. Identifiers: Orphanet 2953, MedGen C1866294, MONDO:0011142.

Submission:

Labcorp Genetics (formerly Invitae), Labcorp
Classification: Pathogenic for Ehlers-Danlos syndrome, musculocontractural type. Last evaluated: 2024-11-30. Review status: criteria provided, single submitter. Criteria: Invitae Variant Classification Sherloc (09022015). Collection method: clinical testing. Allele origin: germline.
Comment: This sequence change creates a premature translational stop signal (p.Glu67Aspfs*78) in the CHST14 gene. While this is not anticipated to result in nonsense mediated decay, it is expected to disrupt the last 310 amino acid(s) of the CHST14 protein. This variant is present in population databases (rs781489212, gnomAD 0.01%). This variant has not been reported in the literature in individuals affected with CHST14-related conditions. This variant disrupts a region of the CHST14 protein in which other variant(s) (p.Tyr293Cys) have been determined to be pathogenic (PMID: 10766984, 20004762, 20533528, 21744491). This suggests that this is a clinically significant region of the protein, and that variants that disrupt it are likely to be disease-causing. For these reasons, this variant has been classified as Pathogenic.

Literature cited by the submitters: PubMed 10766984; PubMed 20004762; PubMed 20533528; PubMed 21744491.

NM_130468.4(CHST14):c.201_202del (p.Glu67fs)

Gene: CHST14 (carbohydrate sulfotransferase 14; plus strand). Cytogenetic location: 15q15.1.
Variant type: Microsatellite.
Coding change: c.201_202del on transcript NM_130468.4 (MANE Select); coding-DNA positions 201 to 202, 2 bases deleted (GA; older notation c.201_202delGA).
Protein change: p.Glu67fs; shifts the reading frame from glutamic acid 67.
Molecular consequence: frameshift variant.
Genome position (GRCh38, 1-based): chr15:40,471,414-40,471,415, GA deleted; deleting any 2 consecutive bases within chr15:40,471,412-40,471,415 gives the same sequence; the c. name uses the placement nearest the transcript's 3' end. VCF-style (leftmost placement, unchanged base first): chr15-40471411-CGA-C. GRCh37 (hg19) VCF-style: chr15-40763610-CGA-C.
Other names: short protein forms E67fs.
Identifiers: ClinVar variation 3672102 (VCV003672102.2).